The following is an entry in ClinVar:

ClinVar aggregate classification (germline): Conflicting classifications of pathogenicity. Review status: criteria provided, conflicting classifications (1 of 4 stars). 5 submissions from 5 submitters: Likely pathogenic (1); Uncertain significance (2). 2 of the submissions do not count toward it. Last evaluated 2024-12-06.

Conditions:
Peripheral neuropathy. Also called: Neuropathy. Identifiers: MedGen C0031117, MONDO:0005244, HP:0009830.
Giant axonal neuropathy 1 (GAN1). Also called: GAN-Related Neurodegeneration; GIANT AXONAL NEUROPATHY 1, AUTOSOMAL RECESSIVE. Identifiers: Orphanet 643, MedGen C1850386, MONDO:0009749, OMIM 256850.

Submissions (5):

Dasa
Classification: Uncertain significance for Giant axonal neuropathy 1. Last evaluated: 2024-12-06. Review status: criteria provided, single submitter. Criteria: DASA Assertion Criteria. Collection method: clinical testing. Allele origin: germline.
Comment: NM_022041.4(GAN):c.994G>A (p.Gly332Arg) is a missense variant that results in the substitution of glycine with arginine. This variant has been recurrently observed in individuals with GAN-related disorders (PMID: 24758703; PMID: 37672338). Functional evidence supports an impact on the gene or gene product (PMID: 24758703). Also, this variant is rare in population databases. Computational prediction algorithms are consistent with a deleterious effect. The currently available literature and clinical evidence are not sufficient to establish a definitive association between this variant and the reported condition. Therefore, this variant is classified as a variant of uncertain significance.

Labcorp Genetics (formerly Invitae), Labcorp
Classification: Uncertain significance for Giant axonal neuropathy 1. Last evaluated: 2022-06-20. Review status: criteria provided, single submitter. Criteria: Invitae Variant Classification Sherloc (09022015). Collection method: clinical testing. Allele origin: germline.
Comment: In summary, the available evidence is currently insufficient to determine the role of this variant in disease. Therefore, it has been classified as a Variant of Uncertain Significance. Algorithms developed to predict the effect of sequence changes on RNA splicing suggest that this variant may create or strengthen a splice site. Algorithms developed to predict the effect of missense changes on protein structure and function are either unavailable or do not agree on the potential impact of this missense change (SIFT: "Deleterious"; PolyPhen-2: "Probably Damaging"; Align-GVGD: "Class C15"). ClinVar contains an entry for this variant (Variation ID: 578416). This missense change has been observed in individual(s) with giant axonal neuropathy (PMID: 24758703). This variant is not present in population databases (gnomAD no frequency). This sequence change replaces glycine, which is neutral and non-polar, with arginine, which is basic and polar, at codon 332 of the GAN protein (p.Gly332Arg).

Kariminejad - Najmabadi Pathology & Genetics Center
Classification: Likely pathogenic for Peripheral neuropathy. Last evaluated: 2021-07-10. Review status: criteria provided, single submitter. Criteria: ACMG Guidelines, 2015. Collection method: clinical testing. Allele origin: germline. Affected: yes.

Inherited Neuropathy Consortium Ii, University Of Miami
Classification: Uncertain significance for Giant axonal neuropathy 1. Last evaluated: 2016-01-06. Review status: no assertion criteria provided. Collection method: literature only. Allele origin: germline. Affected: yes. Not counted in ClinVar's aggregate classification.

Inherited Neuropathy Consortium
Classification: Uncertain significance for Giant axonal neuropathy. Review status: no assertion criteria provided. Collection method: literature only. Allele origin: germline. Affected: yes. Not counted in ClinVar's aggregate classification.

Literature cited by the submitters: PubMed 24758703 (cited by 4 submitters); PubMed 37672338 (cited by Dasa).

NM_022041.4(GAN):c.994G>A (p.Gly332Arg)

Gene: GAN (gigaxonin; plus strand). Cytogenetic location: 16q23.2.
Variant type: single nucleotide variant.
Coding change: c.994G>A on transcript NM_022041.4 (MANE Select); coding-DNA position 994, G replaced by A.
Protein change: p.Gly332Arg; replaces glycine 332 with arginine.
Molecular consequence: missense variant.
Genome position (GRCh38, 1-based): chr16:81,362,519, G>A. VCF-style: chr16-81362519-G-A. GRCh37 (hg19) VCF-style: chr16-81396124-G-A.
Other names: c.355G>A, p.Gly119Arg (NM_001377486.1); short protein forms G332R, G119R.
Identifiers: ClinVar variation 578416 (VCV000578416.32), dbSNP rs1567494825, ClinGen allele CA396874717.